The following is an entry in ClinVar:

ClinVar aggregate classification (germline): Uncertain significance (1 of 4 stars; one submission).

Submission:

CeGaT Center for Human Genetics Tuebingen
Classification: Uncertain significance. Last evaluated: 2026-06-01. Review status: criteria provided, single submitter. Criteria: CeGaT Center For Human Genetics Tuebingen Variant Classification Criteria Version 2. Collection method: clinical testing. Allele origin: germline. Affected: yes. Observed: 1 variant allele.
Comment: AGO1: PM2

NM_012199.5(AGO1):c.197G>A (p.Arg66His)

Gene: AGO1 (argonaute RISC component 1; plus strand). Cytogenetic location: 1p34.3.
Variant type: single nucleotide variant.
Coding change: c.197G>A on transcript NM_012199.5 (MANE Select); coding-DNA position 197, G replaced by A.
Protein change: p.Arg66His; replaces arginine 66 with histidine.
Molecular consequence: missense variant. On other transcripts: 5 prime UTR variant (1).
Genome position (GRCh38, 1-based): chr1:35,888,598, G>A. VCF-style: chr1-35888598-G-A. GRCh37 (hg19) VCF-style: chr1-36354199-G-A.
Other names: c.197G>A, p.Arg66His (NM_001317122.2); c.-29G>A (NM_001317123.2); short protein forms R66H.
Identifiers: ClinVar variation 4874052 (VCV004874052.2).
Genomic context (GRCh38, chr1:35,888,598, plus strand): 5'-ACATCCCTAAGATCGACGTGTACCACTACGAGGTGGACATCAAGCCGGATAAGTGTCCCC[G>A]TAGAGTCAACCGGTAAGTGATGCACACCTAAGCCACCAAATCTGAAAGACACCAACCTTG-3'
Protein context (NP_036331.1, residues 56-76): EVDIKPDKCP[Arg66His]RVNREVVEYM